The following is an entry in ClinVar:

NM_001927.4(DES):c.372G>A (p.Glu124=)

Gene: DES (desmin; plus strand). Cytogenetic location: 2q35.
Variant type: single nucleotide variant.
Coding change: c.372G>A on transcript NM_001927.4 (MANE Select); coding-DNA position 372, G replaced by A.
Protein change: p.Glu124=; no amino-acid change (glutamic acid 124 retained).
Molecular consequence: synonymous variant.
Genome position (GRCh38, 1-based): chr2:219,418,834, G>A. VCF-style: chr2-219418834-G-A. GRCh37 (hg19) VCF-style: chr2-220283556-G-A.
Other names: p.Glu124=.
Identifiers: ClinVar variation 44258 (VCV000044258.52), dbSNP rs34365369, ClinGen allele CA133844.

ClinVar aggregate classification (germline): Benign/Likely benign. Review status: criteria provided, multiple submitters, no conflicts (2 of 4 stars). 20 submissions from 18 submitters: Benign (11); Likely benign (3). 6 of the submissions do not count toward it. Last evaluated 2026-09-21.

Conditions:
Cardiovascular phenotype. Identifiers: MedGen CN230736.
Desmin-related myofibrillar myopathy (MFM1). Also called: Desminopathy; Desmin related myopathy (former name); Desmin storage myopathy (former name); MYOFIBRILLAR MYOPATHY WITH ARRHYTHMOGENIC RIGHT VENTRICULAR CARDIOMYOPATHY; DESMIN-RELATED MYOPATHY WITH ARRHYTHMOGENIC RIGHT VENTRICULAR CARDIOMYOPATHY; Myofibrillar myopathy 1. Identifiers: Orphanet 363543, Orphanet 98909, MedGen C1832370, MONDO:0011076, OMIM 601419.
Neurogenic scapuloperoneal syndrome, Kaeser type (SCPNK). Also called: KAESER SYNDROME. Identifiers: Orphanet 85146, MedGen C1867005, MONDO:0008407, OMIM 181400.
Dilated cardiomyopathy 1I (CMD1I). Identifiers: Orphanet 154, MedGen C1858154, MONDO:0011482, OMIM 604765.

Allele frequency attached by ClinVar (database versions not stated): gnomAD exomes 0.00430 and 0.00190; gnomAD 0.01819 and 0.01950; 1000 Genomes Project 30x 0.01921; 1000 Genomes Project 0.01717; ESP Exome Variant Server 0.01779; ExAC 0.01205; TOPMed 0.02043.
gnomAD v4.1: 5,646 of 1,583,166 alleles (0.36%); highest among the groups gnomAD compares: African/African-American, 6.4%; 169 homozygotes.

Submissions (20):

Molecular Diagnostic Laboratory for Inherited Cardiovascular Disease, Montreal Heart Institute
Classification: Benign. Last evaluated: 2026-09-21. Review status: criteria provided, single submitter. Criteria: ACMG Guidelines, 2015. Collection method: clinical testing. Allele origin: germline. Affected: no.

Labcorp Genetics (formerly Invitae), Labcorp
Classification: Benign for Desmin-related myofibrillar myopathy. Last evaluated: 2026-02-04. Review status: criteria provided, single submitter. Criteria: Invitae Variant Classification Sherloc (09022015). Collection method: clinical testing. Allele origin: germline.

ARUP Laboratories, Molecular Genetics and Genomics, ARUP Laboratories
Classification: Benign. Last evaluated: 2025-06-25. Review status: criteria provided, single submitter. Criteria: ARUP Molecular Germline Variant Investigation Process 2024. Collection method: clinical testing. Allele origin: germline.

Mayo Clinic Laboratories, Mayo Clinic
Classification: Benign. Last evaluated: 2022-04-28. Review status: criteria provided, single submitter. Criteria: ACMG Guidelines, 2015. Collection method: clinical testing. Allele origin: germline. Observed: 45 variant alleles.
Comment: BA1

Athena Diagnostics
Classification: Benign. Last evaluated: 2018-07-26. Review status: criteria provided, single submitter. Criteria: Athena Diagnostics Criteria. Collection method: clinical testing. Allele origin: germline.

Illumina Laboratory Services, Illumina
Classification: Likely benign for Myofibrillar myopathy 1. Last evaluated: 2018-01-13. Review status: criteria provided, single submitter. Criteria: ICSL Variant Classification Criteria 13 December 2019. Collection method: clinical testing. Allele origin: germline.
Comment: This variant was observed in the ICSL laboratory as part of a predisposition screen in an ostensibly healthy population. It had not been previously curated by ICSL or reported in the Human Gene Mutation Database (HGMD: prior to June 1st, 2018), and was therefore a candidate for classification through an automated scoring system. Utilizing variant allele frequency, disease prevalence and penetrance estimates, and inheritance mode, an automated score was calculated to assess if this variant is too frequent to cause the disease. Based on the score and internal cut-off values, a variant classified as likely benign is not then subjected to further curation. The score for this variant resulted in a classification of likely benign for this disease.

Illumina Laboratory Services, Illumina
Classification: Likely benign for Dilated cardiomyopathy 1I. Last evaluated: 2018-01-13. Review status: criteria provided, single submitter. Criteria: ICSL Variant Classification Criteria 13 December 2019. Collection method: clinical testing. Allele origin: germline.
Comment: the same text as in the submission from Illumina Laboratory Services, Illumina above.

Illumina Laboratory Services, Illumina
Classification: Benign for Neurogenic scapuloperoneal syndrome, Kaeser type. Last evaluated: 2018-01-13. Review status: criteria provided, single submitter. Criteria: ICSL Variant Classification Criteria 13 December 2019. Collection method: clinical testing. Allele origin: germline.
Comment: This variant was observed in the ICSL laboratory as part of a predisposition screen in an ostensibly healthy population. It had not been previously curated by ICSL or reported in the Human Gene Mutation Database (HGMD: prior to June 1st, 2018), and was therefore a candidate for classification through an automated scoring system. Utilizing variant allele frequency, disease prevalence and penetrance estimates, and inheritance mode, an automated score was calculated to assess if this variant is too frequent to cause the disease. Based on the score and internal cut-off values, a variant classified as benign is not then subjected to further curation. The score for this variant resulted in a classification of benign for this disease.

PreventionGenetics, part of Exact Sciences
Classification: Benign. Last evaluated: 2016-02-10. Review status: criteria provided, single submitter. Criteria: ACMG Guidelines, 2015. Collection method: clinical testing. Allele origin: germline.

Ambry Genetics
Classification: Benign for Cardiovascular phenotype. Last evaluated: 2015-10-28. Review status: criteria provided, single submitter. Criteria: Ambry Variant Classification Scheme 2023. Collection method: clinical testing. Allele origin: germline.

GeneDx
Classification: Benign. Last evaluated: 2015-03-03. Review status: criteria provided, single submitter. Criteria: GeneDx Variant Classification Process June 2021. Collection method: clinical testing. Allele origin: germline. Affected: yes.

Eurofins Ntd Llc (ga)
Classification: Benign. Last evaluated: 2013-12-17. Review status: criteria provided, single submitter. Criteria: EGL Classification Definitions 2015. Collection method: clinical testing. Allele origin: germline. Observed: 1 variant allele, 1 heterozygote.

Laboratory for Molecular Medicine, Mass General Brigham Personalized Medicine
Classification: Benign. Last evaluated: 2010-06-22. Review status: criteria provided, single submitter. Criteria: LMM Criteria. Collection method: clinical testing. Allele origin: germline. Observed: 44 variant alleles.
Comment: This silent variant is not expected to have clinical significance because it doe s not alter an amino acid residue and is not located near a splice junction. Fur thermore, it is present in 7% of the African American population (dbSNP;rs343653 69).

Breakthrough Genomics
Classification: Likely benign. Review status: criteria provided, single submitter. Criteria: ACMG Guidelines, 2015. Collection method: not provided. Allele origin: germline. Inheritance: Autosomal recessive inheritance. Affected: yes.

Clinical Genetics DNA and cytogenetics Diagnostics Lab, Erasmus MC, Erasmus Medical Center
Classification: Benign. Review status: no assertion criteria provided. Collection method: clinical testing. Allele origin: germline. Affected: yes. Study: VKGL Data-share Consensus. Not counted in ClinVar's aggregate classification.

Clinical Genetics, Academic Medical Center
Classification: Benign. Review status: no assertion criteria provided. Collection method: clinical testing. Allele origin: germline. Affected: yes. Study: VKGL Data-share Consensus. Not counted in ClinVar's aggregate classification.

Diagnostic Laboratory, Department of Genetics, University Medical Center Groningen
Classification: Likely benign. Review status: no assertion criteria provided. Collection method: clinical testing. Allele origin: germline. Affected: yes. Study: VKGL Data-share Consensus. Not counted in ClinVar's aggregate classification.

Genetic Services Laboratory, University of Chicago
Classification: Likely benign for AllHighlyPenetrant. Review status: no assertion criteria provided. Collection method: clinical testing. Allele origin: germline. Inheritance: Autosomal dominant inheritance. Not counted in ClinVar's aggregate classification.
Comment: Likely benign based on allele frequency in 1000 Genomes Project or ESP global frequency and its presence in a patient with a rare or unrelated disease phenotype. NOT Sanger confirmed.

Joint Genome Diagnostic Labs from Nijmegen and Maastricht, Radboudumc and MUMC+
Classification: Likely benign. Review status: no assertion criteria provided. Collection method: clinical testing. Allele origin: germline. Affected: yes. Study: VKGL Data-share Consensus. Not counted in ClinVar's aggregate classification.

Laboratory of Diagnostic Genome Analysis, Leiden University Medical Center (LUMC)
Classification: Likely benign. Review status: no assertion criteria provided. Collection method: clinical testing. Allele origin: germline. Affected: yes. Study: VKGL Data-share Consensus. Not counted in ClinVar's aggregate classification.